The following is an entry in ClinVar:

ClinVar aggregate classification (germline): Uncertain significance (1 of 4 stars; one submission).

Conditions:
Holoprosencephaly 11 (HPE11). Identifiers: Orphanet 2162, MedGen C3280215, MONDO:0013642, OMIM 614226.

Submission:

Labcorp Genetics (formerly Invitae), Labcorp
Classification: Uncertain significance for Holoprosencephaly 11. Last evaluated: 2022-05-20. Review status: criteria provided, single submitter. Criteria: Invitae Variant Classification Sherloc (09022015). Collection method: clinical testing. Allele origin: germline.
Comment: In summary, the available evidence is currently insufficient to determine the role of this variant in disease. Therefore, it has been classified as a Variant of Uncertain Significance. Algorithms developed to predict the effect of missense changes on protein structure and function (SIFT, PolyPhen-2, Align-GVGD) all suggest that this variant is likely to be tolerated. This variant has not been reported in the literature in individuals affected with CDON-related conditions. This variant is not present in population databases (gnomAD no frequency). This sequence change replaces proline, which is neutral and non-polar, with arginine, which is basic and polar, at codon 1233 of the CDON protein (p.Pro1233Arg).

NM_001378964.1(CDON):c.3698C>G (p.Pro1233Arg)

Gene: CDON (cell adhesion associated, oncogene regulated; minus strand). Cytogenetic location: 11q24.2.
Variant type: single nucleotide variant.
Coding change: c.3698C>G on transcript NM_001378964.1 (MANE Select); coding-DNA position 3698, C replaced by G.
Protein change: p.Pro1233Arg; replaces proline 1233 with arginine.
Molecular consequence: missense variant.
Genome position (GRCh38, 1-based): chr11:125,961,039, G>C on the plus strand (C>G on the coding strand, the complement: CDON is on the minus strand). VCF-style: chr11-125961039-G-C. GRCh37 (hg19) VCF-style: chr11-125830934-G-C.
Other names: c.3767C>G, p.Pro1256Arg (NM_001243597.3); c.3698C>G, p.Pro1233Arg (NM_016952.6); short protein forms P1233R, P1256R.
Identifiers: ClinVar variation 2417113 (VCV002417113.6), dbSNP rs2496869448, ClinGen allele CA383212759.
Genomic context (GRCh38, chr11:125,961,039, plus strand): 5'-CTGTCTAAAGGAATGCCAGGTGGAGACCACATTGTCTTCTCAGCACAGCCCTCGGGGACA[G>C]GTGGCAAAATAAGAGCATTCCAACTTACAATGTTGATCTCTGTTTCTGAATGGGCACAGC-3'
Protein context (NP_001365893.1, residues 1223-1243): IVSWNALILP[Pro1233Arg]VPEGCAEKTM